The following is an entry in ClinVar:

ClinVar aggregate classification (germline): Benign/Likely benign. Review status: criteria provided, multiple submitters, no conflicts (2 of 4 stars). 5 submissions from 5 submitters: Benign (1); Likely benign (4). Last evaluated 2024-08-30.

Conditions:
Classic or attenuated familial adenomatous polyposis. Identifiers: MedGen CN372698, MONDO:0021057.
Hereditary cancer-predisposing syndrome. Also called: Neoplastic Syndromes, Hereditary; Tumor predisposition; Hereditary Cancer Syndrome; Hereditary neoplastic syndrome. Identifiers: Orphanet 140162, MedGen C0027672, MeSH D009386, MONDO:0015356.
Familial adenomatous polyposis 1 (FAP1). Also called: FAMILIAL ADENOMATOUS POLYPOSIS 1, ATTENUATED; POLYPOSIS, ADENOMATOUS INTESTINAL. Identifiers: MedGen C2713442, MONDO:0021056, OMIM 175100. Disease mechanism: loss of function.

Submissions (5):

Labcorp Genetics (formerly Invitae), Labcorp
Classification: Likely benign for Familial adenomatous polyposis 1. Last evaluated: 2024-08-30. Review status: criteria provided, single submitter. Criteria: Invitae Variant Classification Sherloc (09022015). Collection method: clinical testing. Allele origin: germline.

Ambry Genetics
Classification: Likely benign for Hereditary cancer-predisposing syndrome. Last evaluated: 2024-07-02. Review status: criteria provided, single submitter. Criteria: Ambry Variant Classification Scheme 2023. Collection method: clinical testing. Allele origin: germline.

Myriad Genetics, Inc.
Classification: Benign for Familial adenomatous polyposis 1. Last evaluated: 2024-03-01. Review status: criteria provided, single submitter. Criteria: Myriad Autosomal Dominant, Autosomal Recessive and X-Linked Classification Criteria (2023). Collection method: clinical testing. Allele origin: unknown.
Comment: This variant is considered benign. This variant is a silent/synonymous amino acid change and it is not expected to impact splicing.

All of Us Research Program, National Institutes of Health
Classification: Likely benign for Classic or attenuated familial adenomatous polyposis. Last evaluated: 2023-05-31. Review status: criteria provided, single submitter. Criteria: ACMG Guidelines, 2015. Collection method: clinical testing. Allele origin: germline. Inheritance: Autosomal dominant inheritance. Observed: 1 variant allele, 1 heterozygote.
Comment: This study involves interpretation of variants in research participants for the purpose of population health screening. Participant phenotype was not available at the time of variant classification. Additional details can be found in publication PMID: 35346344, PMCID: PMC8962531

Color Diagnostics, LLC DBA Color Health
Classification: Likely benign for Hereditary cancer-predisposing syndrome. Last evaluated: 2020-01-27. Review status: criteria provided, single submitter. Criteria: ACMG Guidelines, 2015. Collection method: clinical testing. Allele origin: germline.

NM_000038.6(APC):c.1213C>A (p.Arg405=)

Gene: APC (APC regulator of Wnt signaling pathway; plus strand). Cytogenetic location: 5q22.2.
Variant type: single nucleotide variant.
Coding change: c.1213C>A on transcript NM_000038.6 (MANE Select); coding-DNA position 1213, C replaced by A.
Protein change: p.Arg405=; no amino-acid change (arginine 405 retained).
Molecular consequence: synonymous variant. On other transcripts: intron variant (4).
Genome position (GRCh38, 1-based): chr5:112,819,245, C>A. VCF-style: chr5-112819245-C-A. GRCh37 (hg19) VCF-style: chr5-112154942-C-A.
Other names: c.1213C>A, p.Arg405= (NM_001127510.3, NM_001354895.2, NM_001354896.2); c.1159C>A, p.Arg387= (NM_001127511.3); c.1243C>A, p.Arg415= (NM_001354897.2); c.1138C>A, p.Arg380= (NM_001354898.2); c.1129C>A, p.Arg377= (NM_001354899.2); c.1036C>A, p.Arg346= (NM_001354900.2, NM_001354901.2); c.364C>A, p.Arg122= (NM_001354906.2); c.964-24C>A (NM_001354902.2); and 3 more.
Identifiers: ClinVar variation 926322 (VCV000926322.16), dbSNP rs587779780, ClinGen allele CA445960351.
Genomic context (GRCh38, chr5:112,819,245, plus strand): 5'-GCAGCACTCCACAACATCATTCACTCACAGCCTGATGACAAGAGAGGCAGGCGTGAAATC[C>A]GAGTCCTTCATCTTTTGGAACAGATACGCGCTTACTGTGAAACCTGTTGGGAGTGGCAGG-3'
Protein context (NP_000029.2, residues 395-415): PDDKRGRREI[Arg405=]VLHLLEQIRA